The following is an entry in ClinVar:

ClinVar aggregate classification (germline): Uncertain significance (1 of 4 stars; one submission).

Submission:

Labcorp Genetics (formerly Invitae), Labcorp
Classification: Uncertain significance. Last evaluated: 2023-09-06. Review status: criteria provided, single submitter. Criteria: Invitae Variant Classification Sherloc (09022015). Collection method: clinical testing. Allele origin: germline.
Comment: In summary, the available evidence is currently insufficient to determine the role of this variant in disease. Therefore, it has been classified as a Variant of Uncertain Significance. Advanced modeling of protein sequence and biophysical properties (such as structural, functional, and spatial information, amino acid conservation, physicochemical variation, residue mobility, and thermodynamic stability) performed at Invitae indicates that this missense variant is not expected to disrupt POLE protein function. This variant has not been reported in the literature in individuals affected with POLE-related conditions. This variant is not present in population databases (gnomAD no frequency). This sequence change replaces arginine, which is basic and polar, with lysine, which is basic and polar, at codon 1566 of the POLE protein (p.Arg1566Lys).

NM_006231.4(POLE):c.4697G>A (p.Arg1566Lys)

Gene: POLE (DNA polymerase epsilon, catalytic subunit; minus strand). Cytogenetic location: 12q24.33.
Variant type: single nucleotide variant.
Coding change: c.4697G>A on transcript NM_006231.4 (MANE Select); coding-DNA position 4697, G replaced by A.
Protein change: p.Arg1566Lys; replaces arginine 1566 with lysine.
Molecular consequence: missense variant.
Genome position (GRCh38, 1-based): chr12:132,642,851, C>T on the plus strand (G>A on the coding strand, the complement: POLE is on the minus strand). VCF-style: chr12-132642851-C-T. GRCh37 (hg19) VCF-style: chr12-133219437-C-T.
Other names: short protein forms R1566K.
Identifiers: ClinVar variation 2980312 (VCV002980312.3), dbSNP rs2138539257, ClinGen allele CA387378738.